The following is an entry in ClinVar:

ClinVar aggregate classification (germline): Uncertain significance (1 of 4 stars; one submission).

Conditions:
Thrombocytopenia 1. Also called: THROMBOCYTOPENIA, X-LINKED, 1; X-linked thrombocytopenia with normal platelets; X-Linked Thrombocytopenia (XLT). Identifiers: Orphanet 268322, Orphanet 852, MedGen C1839163, MONDO:0010743, OMIM 313900.
Wiskott-Aldrich syndrome (WAS). Also called: WISKOTT-ALDRICH SYNDROME 1; ALDRICH SYNDROME; IMMUNODEFICIENCY 2; Wiskott-aldrich syndrome, somatic. Identifiers: Orphanet 906, MedGen C0043194, MONDO:0010518, OMIM 301000.
X-linked severe congenital neutropenia (SCNX). Identifiers: Orphanet 86788, MedGen C1845987, MONDO:0010294, OMIM 300299.

Submission:

Labcorp Genetics (formerly Invitae), Labcorp
Classification: Uncertain significance for Wiskott-Aldrich syndrome; X-linked severe congenital neutropenia; Thrombocytopenia 1. Last evaluated: 2025-06-09. Review status: criteria provided, single submitter. Criteria: Invitae Variant Classification Sherloc (09022015). Collection method: clinical testing. Allele origin: germline.
Comment: This sequence change replaces glutamine, which is neutral and polar, with leucine, which is neutral and non-polar, at codon 185 of the WAS protein (p.Gln185Leu). This variant is not present in population databases (gnomAD no frequency). This variant has not been reported in the literature in individuals affected with WAS-related conditions. ClinVar contains an entry for this variant (Variation ID: 1352369). Invitae Evidence Modeling of protein sequence and biophysical properties (such as structural, functional, and spatial information, amino acid conservation, physicochemical variation, residue mobility, and thermodynamic stability) indicates that this missense variant is not expected to disrupt WAS protein function with a negative predictive value of 80%. In summary, the available evidence is currently insufficient to determine the role of this variant in disease. Therefore, it has been classified as a Variant of Uncertain Significance.

NM_000377.3(WAS):c.554A>T (p.Gln185Leu)

Gene: WAS (WASP actin nucleation promoting factor; plus strand). Cytogenetic location: Xp11.23.
Variant type: single nucleotide variant.
Coding change: c.554A>T on transcript NM_000377.3 (MANE Select); coding-DNA position 554, A replaced by T.
Protein change: p.Gln185Leu; replaces glutamine 185 with leucine.
Molecular consequence: missense variant.
Genome position (GRCh38, 1-based): chrX:48,686,129, A>T. VCF-style: chrX-48686129-A-T. GRCh37 (hg19) VCF-style: chrX-48544518-A-T.
Other names: short protein forms Q185L.
Identifiers: ClinVar variation 1352369 (VCV001352369.8), dbSNP rs2147264325, ClinGen allele CA412869536.